The following is an entry in ClinVar:

NM_000093.5(COL5A1):c.3184C>T (p.Arg1062Ter)

Gene: COL5A1 (collagen type V alpha 1 chain; plus strand). Cytogenetic location: 9q34.3.
Variant type: single nucleotide variant.
Coding change: c.3184C>T on transcript NM_000093.5 (MANE Select); coding-DNA position 3184, C replaced by T.
Protein change: p.Arg1062Ter; replaces arginine 1062 with a stop codon.
Molecular consequence: nonsense.
Genome position (GRCh38, 1-based): chr9:134,805,044, C>T. VCF-style: chr9-134805044-C-T. GRCh37 (hg19) VCF-style: chr9-137696890-C-T.
Other names: p.R1062*:CGA>TGA; c.3184C>T, p.Arg1062Ter (NM_001278074.1); short protein forms R1062*.
Identifiers: ClinVar variation 29639 (VCV000029639.18), dbSNP rs387906606, ClinGen allele CA281098.

ClinVar aggregate classification (germline): Pathogenic. Review status: criteria provided, multiple submitters, no conflicts (2 of 4 stars). 6 submissions from 6 submitters: Pathogenic (5). 1 of the submissions does not count toward it. Last evaluated 2025-10-31.

Conditions:
Ehlers-Danlos syndrome, classic type, 1 (EDSCL1). Also called: EHLERS-DANLOS SYNDROME, GRAVIS TYPE; EHLERS-DANLOS SYNDROME, SEVERE CLASSIC TYPE; EDS I; Ehlers-Danlos syndrome, type 1; Ehlers-Danlos Syndrome, Classic Type, COL5A1-Related. Identifiers: MedGen C0268335, MONDO:0019567, OMIM 130000.
COL5A1-related disorders.
Familial thoracic aortic aneurysm and aortic dissection (TAAD). Also called: Thoracic aortic aneurysms and dissections. Identifiers: Orphanet 91387, MedGen C4707243, MONDO:0019625.

Submissions (6):

3billion
Classification: Pathogenic for Ehlers-Danlos syndrome, classic type, 1. Last evaluated: 2025-10-31. Review status: criteria provided, single submitter. Criteria: ACMG Guidelines, 2015. Collection method: clinical testing. Allele origin: germline. Affected: yes.
Comment: The variant is not observed in the gnomAD v4.1.0 dataset. Predicted Consequence/Location: Stop-gained (nonsense): predicted to result in a loss or disruption of normal protein function through nonsense-mediated decay (NMD) or protein truncation. Multiple pathogenic variants are reported downstream of the variant. The variant has been reported at least twice as pathogenic without evidence for the classification (ClinVar ID: VCV000029639 /PMID: 15580559). Therefore, this variant is classified as Pathogenic according to the recommendation of ACMG/AMP guideline.

Ambry Genetics
Classification: Pathogenic for Familial thoracic aortic aneurysm and aortic dissection. Last evaluated: 2025-01-06. Review status: criteria provided, single submitter. Criteria: Ambry Variant Classification Scheme 2023. Collection method: clinical testing. Allele origin: germline.
Comment: The p.R1062* pathogenic mutation (also known as c.3184C>T), located in coding exon 40 of the COL5A1 gene, results from a C to T substitution at nucleotide position 3184. This changes the amino acid from an arginine to a stop codon within coding exon 40. This variant was reported in individual(s) with features consistent with classical Ehlers-Danlos syndrome (EDS); in at least one individual, it was determined to be de novo (Malfait F et al. Hum Mutat, 2005 Jan;25:28-37; Borck G et al. Am J Med Genet A, 2010 Aug;152A:2090-3; Leone MP et al. Hum Genet, 2023 Jun;142:785-808; Ambry internal data). This variant is considered to be rare based on population cohorts in the Genome Aggregation Database (gnomAD). In addition to the clinical data presented in the literature, this alteration is expected to result in loss of function by premature protein truncation or nonsense-mediated mRNA decay. As such, this alteration is interpreted as a disease-causing mutation.

GeneDx
Classification: Pathogenic. Last evaluated: 2024-12-06. Review status: criteria provided, single submitter. Criteria: GeneDx Variant Classification Process June 2021. Collection method: clinical testing. Allele origin: germline. Affected: yes.
Comment: Not observed at significant frequency in large population cohorts (gnomAD); Nonsense variant predicted to result in protein truncation or nonsense mediated decay in a gene for which loss of function is a known mechanism of disease; This variant is associated with the following publications: (PMID: 25525159, 20635400, 22696272, 15580559, 37079061, 31141158)

Labcorp Genetics (formerly Invitae), Labcorp
Classification: Pathogenic for Ehlers-Danlos syndrome, classic type, 1. Last evaluated: 2024-03-27. Review status: criteria provided, single submitter. Criteria: Invitae Variant Classification Sherloc (09022015). Collection method: clinical testing. Allele origin: germline.
Comment: This sequence change creates a premature translational stop signal (p.Arg1062*) in the COL5A1 gene. It is expected to result in an absent or disrupted protein product. Loss-of-function variants in COL5A1 are known to be pathogenic (PMID: 23587214). This variant is not present in population databases (gnomAD no frequency). This premature translational stop signal has been observed in individual(s) with Ehlers-Danlos syndrome (PMID: 15580559, 20635400). In at least one individual the variant was observed to be de novo. ClinVar contains an entry for this variant (Variation ID: 29639). For these reasons, this variant has been classified as Pathogenic.

Blueprint Genetics
Classification: Pathogenic for COL5A1-related disorders. Last evaluated: 2021-08-23. Review status: criteria provided, single submitter. Criteria: ACMG Guidelines, 2015. Collection method: clinical testing. Allele origin: germline. Affected: yes. Observed: 1 variant allele.

OMIM
Classification: Pathogenic for EHLERS-DANLOS SYNDROME, CLASSIC TYPE, 1. Last evaluated: 2010-08-01. Review status: no assertion criteria provided. Collection method: literature only. Allele origin: germline. Not counted in ClinVar's aggregate classification.

Literature cited by the submitters: PubMed 15580559 (cited by 3 submitters); PubMed 20635400 (cited by 3 submitters); PubMed 37079061 (cited by Ambry Genetics); PubMed 23587214 (cited by Labcorp Genetics (formerly Invitae), Labcorp).